The following is an entry in ClinVar:

ClinVar aggregate classification (germline): Pathogenic (1 of 4 stars; one submission).

gnomAD v4.1: 5 of 1,614,190 alleles (0.00031%); highest among the groups gnomAD compares: East Asian, 0.0022%; no homozygotes.

Submission:

Labcorp Genetics (formerly Invitae), Labcorp
Classification: Pathogenic. Last evaluated: 2023-01-17. Review status: criteria provided, single submitter. Criteria: Invitae Variant Classification Sherloc (09022015). Collection method: clinical testing. Allele origin: germline.
Comment: For these reasons, this variant has been classified as Pathogenic. This sequence change creates a premature translational stop signal (p.Arg118*) in the COL11A2 gene. It is expected to result in an absent or disrupted protein product. Loss-of-function variants in COL11A2 are known to be pathogenic (PMID: 10677296, 21204229). This variant is present in population databases (no rsID available, gnomAD 0.005%). This variant has not been reported in the literature in individuals affected with COL11A2-related conditions.

Literature cited by the submitters: PubMed 10677296; PubMed 21204229.

NM_080680.3(COL11A2):c.352C>T (p.Arg118Ter)

Gene: COL11A2 (collagen type XI alpha 2 chain; minus strand). Cytogenetic location: 6p21.32.
Variant type: single nucleotide variant.
Coding change: c.352C>T on transcript NM_080680.3 (MANE Select); coding-DNA position 352, C replaced by T.
Protein change: p.Arg118Ter; replaces arginine 118 with a stop codon.
Molecular consequence: nonsense. On other transcripts: 5 prime UTR variant (3), non-coding transcript variant (1).
Genome position (GRCh38, 1-based): chr6:33,189,069, G>A on the plus strand (C>T on the coding strand, the complement: COL11A2 is on the minus strand). VCF-style: chr6-33189069-G-A. GRCh37 (hg19) VCF-style: chr6-33156846-G-A.
Other names: c.352C>T, p.Arg118Ter (NM_001163771.2, NM_001424108.1, NM_080679.3 and 1 more transcripts); c.-495C>T (NM_001424109.1, NM_001424110.1, NM_001424111.1); short protein forms R118*.
Identifiers: ClinVar variation 2914317 (VCV002914317.3), dbSNP rs1433241638, ClinGen allele CA363612514.